The following is an entry in ClinVar:

GRCh37/hg19 7q36.2-36.3(chr7:153906860-158923491)x3

Genes: CNPY1 (canopy FGF signaling regulator 1; minus strand), DNAJB6 (DnaJ heat shock protein family (Hsp40) member B6; plus strand), DYNC2I1 (dynein 2 intermediate chain 1; plus strand), EN2 (engrailed homeobox 2; plus strand), ESYT2 (extended synaptotagmin 2; minus strand) and 13 more. Cytogenetic location: 7q36.2-36.3.
Variant type: copy number gain.
Change: copy number 3 (three copies instead of two) of chr7:153,906,860-158,923,491 (5.02 Mb, GRCh37 coordinates, 1-based), cytogenetic band 7q36.2-36.3.
Identifiers: ClinVar variation 4682696 (VCV004682696.1).

ClinVar aggregate classification (germline): Pathogenic (1 of 4 stars; one submission).

Submission:

Quest Diagnostics Nichols Institute San Juan Capistrano
Classification: Pathogenic. Last evaluated: 2024-07-23. Review status: criteria provided, single submitter. Criteria: ACMG/ClinGen CNV Guidelines, 2019. Collection method: clinical testing. Allele origin: unknown.
Comment: This 7q36.2q36.3 gain involves at least 19 protein-coding genes. Heterozygous duplications contained within this 7q36.2q36.3 region have been identified in individuals with various phenotypes (Bear 2012, Bendavid 2009, Firth 2009, Furey 2018, Heide 2017, Kroeldrup 2012, Wong 2015, Firouzabadi 2017, Kushima 2018, Levinson 2011, Sajan 2013, Vacic 2011). Additionally, heterozygous duplications involving part or all of LMBR1 have been identified in individuals with triphalangeal thumb-polysyndactyly syndrome (OMIM 190605), which is caused by an enhancer of SHH located in intron 5 of LMBR1 (Lohan 2014, Liu 2024, Micale 2017). There are no similar copy number gains of this region in the general populations of the Database of Genomic Variants. Thus, based on current medical literature and gene content, this gain is classified as pathogenic. References: Bear et al., Clin Dysmorphol. 2012 Jul;21(3):148-151. PMID: 22354285 Bendavid et al., Hum Mutat. 2009 Aug;30(8):1175-82. PMID: 19431187 Firouzabadi et al., Mol Neurobiol. 2017 Nov;54(9):7019-7027. PMID: 27796743 Firth et al., Am J Hum Genet. 2009 Apr;84(4):524-33. PMID: 19344873 Furey et al., Neuron. 2018 Jul 25;99(2):302-314.e4. PMID: 29983323 Heide et al., J Pediatr. 2017 Jun:185:160-166.e1. PMID: 28284480 Kroeldrup et al., Eur J Med Genet. 2012 Oct;55(10):557-60. PMID: 22683912 Kushima et al., Cell Rep. 2018 Sep 11;24(11):2838-2856. PMID: 30208311 Levinson et al., Am J Psychiatry. 2011 Mar;168(3):302-16. PMID: 21285140 Lohan et al., Clin Genet. 2014 Oct;86(4):318-25. PMID: 24456159 Liu et al., Taiwan J Obstet Gynecol. 2024 Mar;63(2):250-252. PMID: 38485325 Micale et al., Clin Case Rep. 2017 May 10;5(6):993-999. PMID: 28588853 Sajan et al., PLoS Genet. 2013;9(10):e1003823. PMID: 24098143 Vacic et al., Nature. 2011 Mar 24;471(7339):499-503. PMID: 21346763 Wong et al., Am J Med Genet A. 2015 Sep;167A(9):2201-8. PMID: 25944787